The following is an entry in ClinVar:

NM_003924.4(PHOX2B):c.735_746dup (p.Ala260_Gly261insAlaAlaAlaAla)

Genes: PHOX2B (paired like homeobox 2B; minus strand), LOC110011216 (paired like homeobox 2b polyalanine repeat instability region; plus strand). Cytogenetic location: 4p13.
Variant type: Duplication.
Coding change: c.735_746dup on transcript NM_003924.4 (MANE Select); coding-DNA positions 735 to 746, 12 bases duplicated (GGCGGCCGCGGC).
Protein change: p.Ala260_Gly261insAlaAlaAlaAla.
Molecular consequence: inframe insertion. On other transcripts: inframe indel (1).
Genome position (GRCh38, 1-based): chr4:41,746,006-41,746,017, GCCGCGGCCGCC duplicated on the plus strand (GGCGGCCGCGGC on the coding strand, the reverse complement: PHOX2B is on the minus strand); duplicating any 12 consecutive bases within chr4:41,746,006-41,746,022 gives the same sequence; the c. name uses the placement nearest the transcript's 3' end. VCF-style (leftmost placement, unchanged base first): chr4-41746005-T-TGCCGCGGCCGCC. GRCh37 (hg19) VCF-style: chr4-41748022-T-TGCCGCGGCCGCC.
Other names: c.735_746dupGGCGGCCGCGGC (NM_003924.3).
Identifiers: ClinVar variation 1758454 (VCV001758454.3), dbSNP rs1553897780, ClinGen allele CA917175457.

ClinVar aggregate classification (germline): Pathogenic (1 of 4 stars; one submission).

Conditions:
Hereditary cancer-predisposing syndrome. Also called: Neoplastic Syndromes, Hereditary; Tumor predisposition; Hereditary Cancer Syndrome; Hereditary neoplastic syndrome. Identifiers: Orphanet 140162, MedGen C0027672, MeSH D009386, MONDO:0015356.

Submission:

Ambry Genetics
Classification: Pathogenic for Hereditary cancer-predisposing syndrome. Last evaluated: 2024-09-25. Review status: criteria provided, single submitter. Criteria: Ambry Variant Classification Scheme 2023. Collection method: clinical testing. Allele origin: germline.
Comment: The p.Ala241[24] pathogenic mutation, located in coding exon 3 of the PHOX2B gene, results from an expansion of the polyalanine repeat region from 20 to 24 repeats. This mutation has been reported in individuals with variable phenotypes, ranging from asymptomatic/mild presentations to newborns with congenital central hypoventilation syndrome (CCHS) and Hirschsprung disease (Kwon MS et al. Eur. J. Pediatr. 2011 Oct;170(10):1267-71; Chuen-im P et al. Pediatr. Pulmonol. 2014 Feb;49(2):E13-6; Sivan Y et al. Am. J. Med. Genet. A 2019 03;179(3):503-506). In one family with late-onset CCHS, this mutation was identified in a toddler with obstructive sleep apnea and difficulty weaning from ventilation postoperatively; the toddler's mother and maternal aunt with the repeat expansion were both asymptomatic while the heterozygous maternal grandfather snored and had some episodes of prolonged hypersomnolence after benzodiazepines or antihistamines (Repetto GM et al. Acta Paediatr. 2009 Jan;98(1):192-5). The infant's father snored moderately with a few obstructive events mainly during sleep on polysomnography, while the mother had normal polysomnography (Trochet D et al. Hum. Mutat. 2008 May;29(5):770). This variant is considered to be rare based on population cohorts in the Genome Aggregation Database (gnomAD). Based on the supporting evidence, this alteration is interpreted as a disease-causing mutation.

Literature cited by the submitters: PubMed 18407552; PubMed 18798833; PubMed 21373876; PubMed 23460419; PubMed 30672101.